The following is an entry in ClinVar:

ClinVar aggregate classification (germline): Uncertain significance (1 of 4 stars; one submission).

Submission:

Labcorp Genetics (formerly Invitae), Labcorp
Classification: Uncertain significance. Last evaluated: 2025-06-04. Review status: criteria provided, single submitter. Criteria: Invitae Variant Classification Sherloc (09022015). Collection method: clinical testing. Allele origin: germline.
Comment: This sequence change replaces glycine, which is neutral and non-polar, with glutamic acid, which is acidic and polar, at codon 39 of the OTULIN protein (p.Gly39Glu). This variant is not present in population databases (gnomAD no frequency). This variant has not been reported in the literature in individuals affected with OTULIN-related conditions. An algorithm developed to predict the effect of missense changes on protein structure and function outputs the following: PolyPhen-2: "Benign". The glutamic acid amino acid residue is found in multiple mammalian species, which suggests that this missense change does not adversely affect protein function. In summary, the available evidence is currently insufficient to determine the role of this variant in disease. Therefore, it has been classified as a Variant of Uncertain Significance.

NM_138348.6(OTULIN):c.116G>A (p.Gly39Glu)

Gene: OTULIN (OTU deubiquitinase with linear linkage specificity; plus strand). Cytogenetic location: 5p15.2.
Variant type: single nucleotide variant.
Coding change: c.116G>A on transcript NM_138348.6 (MANE Select); coding-DNA position 116, G replaced by A.
Protein change: p.Gly39Glu; replaces glycine 39 with glutamic acid.
Molecular consequence: missense variant.
Genome position (GRCh38, 1-based): chr5:14,664,941, G>A. VCF-style: chr5-14664941-G-A. GRCh37 (hg19) VCF-style: chr5-14665050-G-A.
Other names: short protein forms G39E.
Identifiers: ClinVar variation 4759523 (VCV004759523.1).